The following is an entry in ClinVar:

ClinVar aggregate classification (germline): Conflicting classifications of pathogenicity. Review status: criteria provided, conflicting classifications (1 of 4 stars). 3 submissions from 3 submitters: Uncertain significance (2); Likely benign (1). Last evaluated 2024-08-31.

Conditions:
Hereditary cancer-predisposing syndrome. Also called: Tumor predisposition; Hereditary Cancer Syndrome; Hereditary neoplastic syndrome; Neoplastic Syndromes, Hereditary. Identifiers: Orphanet 140162, MedGen C0027672, MeSH D009386, MONDO:0015356.
Ataxia-telangiectasia syndrome (AT). Also called: Ataxia telangiectasia (A-T); LOUIS-BAR SYNDROME; Cerebello-oculocutaneous telangiectasia; Immunodeficiency with ataxia telangiectasia; ATAXIA-TELANGIECTASIA, COMPLEMENTATION GROUP A; ATAXIA-TELANGIECTASIA, FRESNO VARIANT. Identifiers: Orphanet 100, MedGen C0004135, MONDO:0008840, OMIM 208900.

gnomAD v4.1: 1 of 1,613,978 alleles (0.000062%); no homozygotes.

Submissions (3):

Labcorp Genetics (formerly Invitae), Labcorp
Classification: Uncertain significance for Ataxia-telangiectasia syndrome. Last evaluated: 2024-08-31. Review status: criteria provided, single submitter. Criteria: Invitae Variant Classification Sherloc (09022015). Collection method: clinical testing. Allele origin: germline.
Comment: This sequence change replaces proline, which is neutral and non-polar, with serine, which is neutral and polar, at codon 1526 of the ATM protein (p.Pro1526Ser). This variant is not present in population databases (gnomAD no frequency). This variant has not been reported in the literature in individuals affected with ATM-related conditions. ClinVar contains an entry for this variant (Variation ID: 233648). An algorithm developed to predict the effect of missense changes on protein structure and function (PolyPhen-2) suggests that this variant is likely to be tolerated. In summary, the available evidence is currently insufficient to determine the role of this variant in disease. Therefore, it has been classified as a Variant of Uncertain Significance.

Color Diagnostics, LLC DBA Color Health
Classification: Uncertain significance for Hereditary cancer-predisposing syndrome. Last evaluated: 2019-04-17. Review status: criteria provided, single submitter. Criteria: ACMG Guidelines, 2015. Collection method: clinical testing. Allele origin: germline.

Ambry Genetics
Classification: Likely benign for Hereditary cancer-predisposing syndrome. Last evaluated: 2018-01-12. Review status: criteria provided, single submitter. Criteria: Ambry Variant Classification Scheme 2023. Collection method: clinical testing. Allele origin: germline.

NM_000051.4(ATM):c.4576C>T (p.Pro1526Ser)

Gene: ATM (ATM serine/threonine kinase; plus strand). Cytogenetic location: 11q22.3.
Variant type: single nucleotide variant.
Coding change: c.4576C>T on transcript NM_000051.4 (MANE Select); coding-DNA position 4576, C replaced by T.
Protein change: p.Pro1526Ser; replaces proline 1526 with serine.
Molecular consequence: missense variant.
Genome position (GRCh38, 1-based): chr11:108,292,758, C>T. VCF-style: chr11-108292758-C-T. GRCh37 (hg19) VCF-style: chr11-108163485-C-T.
Other names: c.4576C>T, p.Pro1526Ser (NM_001351834.2); short protein forms P1526S.
Identifiers: ClinVar variation 233648 (VCV000233648.17), dbSNP rs748898098, ClinGen allele CA10579155.